The following is an entry in ClinVar:

ClinVar aggregate classification (germline): Uncertain significance (1 of 4 stars; one submission).

Submission:

Labcorp Genetics (formerly Invitae), Labcorp
Classification: Uncertain significance. Last evaluated: 2021-09-17. Review status: criteria provided, single submitter. Criteria: Invitae Variant Classification Sherloc (09022015). Collection method: clinical testing. Allele origin: germline.
Comment: This sequence change replaces proline with leucine at codon 430 of the GPAA1 protein (p.Pro430Leu). The proline residue is moderately conserved and there is a moderate physicochemical difference between proline and leucine. This variant is not present in population databases (ExAC no frequency). This variant has not been reported in the literature in individuals affected with GPAA1-related conditions. Algorithms developed to predict the effect of missense changes on protein structure and function (SIFT, PolyPhen-2, Align-GVGD) all suggest that this variant is likely to be tolerated. In summary, the available evidence is currently insufficient to determine the role of this variant in disease. Therefore, it has been classified as a Variant of Uncertain Significance.

NM_003801.4(GPAA1):c.1289C>T (p.Pro430Leu)

Gene: GPAA1 (glycosylphosphatidylinositol anchor attachment 1; plus strand). Cytogenetic location: 8q24.3.
Variant type: single nucleotide variant.
Coding change: c.1289C>T on transcript NM_003801.4 (MANE Select); coding-DNA position 1289, C replaced by T.
Protein change: p.Pro430Leu; replaces proline 430 with leucine.
Molecular consequence: missense variant.
Genome position (GRCh38, 1-based): chr8:144,085,317, C>T. VCF-style: chr8-144085317-C-T. GRCh37 (hg19) VCF-style: chr8-145140220-C-T.
Other names: short protein forms P430L.
Identifiers: ClinVar variation 1388532 (VCV001388532.5), dbSNP rs1021552332, ClinGen allele CA187610606.